The following is an entry in ClinVar:

NM_000038.6(APC):c.1548+2T>A

Gene: APC (APC regulator of Wnt signaling pathway; plus strand). Cytogenetic location: 5q22.2.
Variant type: single nucleotide variant.
Coding change: c.1548+2T>A on transcript NM_000038.6 (MANE Select); the canonical splice donor site of the intron after coding-DNA position 1548, T replaced by A.
Molecular consequence: splice donor variant.
Genome position (GRCh38, 1-based): chr5:112,827,249, T>A. VCF-style: chr5-112827249-T-A. GRCh37 (hg19) VCF-style: chr5-112162946-T-A.
Other names: c.699+2T>A (NM_001407470.1, NM_001354906.2); c.396+2T>A (NM_001407472.1, NM_001407471.1); c.1602+2T>A (NM_001407447.1, NM_001407448.1, NM_001407449.1 and 1 more transcripts); c.1548+2T>A (NM_001354895.2, NM_001407450.1, NM_001127510.3); c.1299+2T>A (NM_001407456.1, NM_001407457.1, NM_001407455.1 and 1 more transcripts); c.1245+2T>A (NM_001407460.1, NM_001407458.1, NM_001407459.1 and 1 more transcripts); c.1518+2T>A (NM_001407452.1); c.1161+2T>A (NM_001407469.1, NM_001407467.1); and 11 more.
Identifiers: ClinVar variation 4856771 (VCV004856771.1).

ClinVar aggregate classification (germline): Pathogenic (1 of 4 stars; one submission).

Conditions:
Familial adenomatous polyposis 1 (FAP1). Also called: FAMILIAL ADENOMATOUS POLYPOSIS 1, ATTENUATED; POLYPOSIS, ADENOMATOUS INTESTINAL. Identifiers: MedGen C2713442, MONDO:0021056, OMIM 175100. Disease mechanism: loss of function.

Submission:

Myriad Genetics, Inc.
Classification: Pathogenic for Familial adenomatous polyposis 1. Last evaluated: 2026-02-25. Review status: criteria provided, single submitter. Criteria: Myriad Autosomal Dominant, Autosomal Recessive and X-Linked Classification Criteria (2023). Collection method: clinical testing. Allele origin: unknown.
Comment: This variant is considered pathogenic. This variant occurs within a consensus splice junction and is predicted to result in abnormal mRNA splicing of either an out-of-frame exon or an in-frame exon necessary for protein stability and/or normal function. This variant has shown to segregate with cancer in one or more families [PMID: 11933206].

Literature cited by the submitters: PubMed 11933206.